The following is an entry in ClinVar:

ClinVar aggregate classification (germline): Likely benign. Review status: criteria provided, multiple submitters, no conflicts (2 of 4 stars). 2 submissions from 2 submitters: Likely benign (2). Last evaluated 2024-12-03.

Conditions:
ZNF423-related disorder. Also called: ZNF423-related condition.

Submissions (2):

PreventionGenetics, part of Exact Sciences
Classification: Likely benign for ZNF423-related condition. Last evaluated: 2024-12-03. Review status: criteria provided, single submitter. Criteria: ACMG Guidelines, 2015. Collection method: clinical testing. Allele origin: germline.
Comment: This variant is classified as likely benign based on ACMG/AMP sequence variant interpretation guidelines (Richards et al. 2015 PMID: 25741868, with internal and published modifications).

Labcorp Genetics (formerly Invitae), Labcorp
Classification: Likely benign. Last evaluated: 2018-06-13. Review status: criteria provided, single submitter. Criteria: Invitae Variant Classification Sherloc (09022015). Collection method: clinical testing. Allele origin: germline.

NM_001379286.1(ZNF423):c.3630G>A (p.Leu1210=)

Gene: ZNF423 (zinc finger protein 423; minus strand). Cytogenetic location: 16q12.1.
Variant type: single nucleotide variant.
Coding change: c.3630G>A on transcript NM_001379286.1 (MANE Select); coding-DNA position 3630, G replaced by A.
Protein change: p.Leu1210=; no amino-acid change (leucine 1210 retained).
Molecular consequence: synonymous variant.
Genome position (GRCh38, 1-based): chr16:49,525,466, C>T on the plus strand (G>A on the coding strand, the complement: ZNF423 is on the minus strand). VCF-style: chr16-49525466-C-T. GRCh37 (hg19) VCF-style: chr16-49559377-C-T.
Other names: c.3426G>A, p.Leu1142= (NM_001271620.2); c.3255G>A, p.Leu1085= (NM_001330533.2); c.3606G>A, p.Leu1202= (NM_015069.5); c.3606G>A (NM_015069.4).
Identifiers: ClinVar variation 741038 (VCV000741038.4), dbSNP rs1597050397, ClinGen allele CA495190875.